The following is an entry in ClinVar:

NM_004385.5(VCAN):c.3199G>C (p.Glu1067Gln)

Gene: VCAN (versican; plus strand). Cytogenetic location: 5q14.3.
Variant type: single nucleotide variant.
Coding change: c.3199G>C on transcript NM_004385.5 (MANE Select); coding-DNA position 3199, G replaced by C.
Protein change: p.Glu1067Gln; replaces glutamic acid 1067 with glutamine.
Molecular consequence: missense variant. On other transcripts: intron variant (2).
Genome position (GRCh38, 1-based): chr5:83,521,505, G>C. VCF-style: chr5-83521505-G-C. GRCh37 (hg19) VCF-style: chr5-82817324-G-C.
Other names: c.3199G>C (NM_004385.4); c.3199G>C, p.Glu1067Gln (NM_001164098.2); c.1042+9109G>C (NM_001164097.2, NM_001126336.3); short protein forms E1067Q.
Identifiers: ClinVar variation 1480518 (VCV001480518.9), dbSNP rs374891010, ClinGen allele CA3332974.
Genomic context (GRCh38, chr5:83,521,505, plus strand): 5'-CCTGCTCTCAGTTCTACAGCTTGGACTCCCAAGGAGGCAGTAACACCACTGGATGAACAA[G>C]AGGGCGATGGATCAGCATATACAGTCTCTGAAGATGAATTGTTGACAGGTTCTGAGAGGG-3'
Protein context (NP_004376.2, residues 1057-1077): KEAVTPLDEQ[Glu1067Gln]GDGSAYTVSE

ClinVar aggregate classification (germline): Conflicting classifications of pathogenicity. Review status: criteria provided, conflicting classifications (1 of 4 stars). 3 submissions from 3 submitters: Uncertain significance (2); Likely benign (1). Last evaluated 2025-10-06.

Conditions:
Inborn genetic diseases. Identifiers: MedGen C0950123, MeSH D030342.

Allele frequency attached by ClinVar (database versions not stated): ExAC 0.00002; gnomAD exomes 0.00003 and 0.00009; gnomAD 0.00004; TOPMed 0.00004; ESP Exome Variant Server 0.00008.
gnomAD v4.1: 150 of 1,613,966 alleles (0.0093%); highest among the groups gnomAD compares: Non-Finnish European, 0.012%; no homozygotes.

Submissions (3):

Ambry Genetics
Classification: Uncertain significance for Inborn genetic diseases. Last evaluated: 2025-10-06. Review status: criteria provided, single submitter. Criteria: Ambry Variant Classification Scheme 2023. Collection method: clinical testing. Allele origin: germline.

Labcorp Genetics (formerly Invitae), Labcorp
Classification: Uncertain significance. Last evaluated: 2025-06-16. Review status: criteria provided, single submitter. Criteria: Invitae Variant Classification Sherloc (09022015). Collection method: clinical testing. Allele origin: germline.
Comment: This sequence change replaces glutamic acid, which is acidic and polar, with glutamine, which is neutral and polar, at codon 1067 of the VCAN protein (p.Glu1067Gln). This variant is present in population databases (rs374891010, gnomAD 0.007%). This variant has not been reported in the literature in individuals affected with VCAN-related conditions. ClinVar contains an entry for this variant (Variation ID: 1480518). An algorithm developed to predict the effect of missense changes on protein structure and function (PolyPhen-2) suggests that this variant is likely to be disruptive. In summary, the available evidence is currently insufficient to determine the role of this variant in disease. Therefore, it has been classified as a Variant of Uncertain Significance.

Blueprint Genetics
Classification: Likely benign. Last evaluated: 2024-10-17. Review status: criteria provided, single submitter. Criteria: ACMG Guidelines, 2015. Collection method: clinical testing. Allele origin: germline.